The following is an entry in ClinVar:

ClinVar aggregate classification (germline): Uncertain significance (1 of 4 stars; one submission).

Submission:

Labcorp Genetics (formerly Invitae), Labcorp
Classification: Uncertain significance. Last evaluated: 2022-04-20. Review status: criteria provided, single submitter. Criteria: Invitae Variant Classification Sherloc (09022015). Collection method: clinical testing. Allele origin: germline.
Comment: This variant is a gross deletion of the genomic region encompassing exon(s) 19 of the TOP3A gene, which includes the termination codon. This deletion extends beyond the assayed region for this gene and therefore may encompass additional genes. While this deletion is not anticipated to lead to nonsense mediated decay, it is expected to alter mRNA translation or result in a truncated protein product. This variant has not been reported in the literature in individuals affected with TOP3A-related conditions. Experimental studies and prediction algorithms are not available or were not evaluated, and the functional significance of this variant is currently unknown. In summary, the available evidence is currently insufficient to determine the role of this variant in disease. Therefore, it has been classified as a Variant of Uncertain Significance.

NC_000017.10:g.(?_18178116)_(18178314_?)del

Gene: TOP3A (DNA topoisomerase III alpha; minus strand). Cytogenetic location: 17p11.2.
Variant type: Deletion.
Identifiers: ClinVar variation 2425186 (VCV002425186.3).